The following is an entry in ClinVar:

NM_012293.3(PXDN):c.273G>A (p.Leu91=)

Gene: PXDN (peroxidasin; minus strand). Cytogenetic location: 2p25.3.
Variant type: single nucleotide variant.
Coding change: c.273G>A on transcript NM_012293.3 (MANE Select); coding-DNA position 273, G replaced by A.
Protein change: p.Leu91=; no amino-acid change (leucine 91 retained).
Molecular consequence: synonymous variant.
Genome position (GRCh38, 1-based): chr2:1,691,999, C>T on the plus strand (G>A on the coding strand, the complement: PXDN is on the minus strand). VCF-style: chr2-1691999-C-T. GRCh37 (hg19) VCF-style: chr2-1695771-C-T.
Other names: c.273G>A (NM_012293.1).
Identifiers: ClinVar variation 707134 (VCV000707134.14), dbSNP rs200915485, ClinGen allele CA1513706.

ClinVar aggregate classification (germline): Benign/Likely benign. Review status: criteria provided, multiple submitters, no conflicts (2 of 4 stars). 5 submissions from 5 submitters: Benign (2); Likely benign (3). Last evaluated 2025-08-21.

Conditions:
Inborn genetic diseases. Identifiers: MedGen C0950123, MeSH D030342.
PXDN-related disorder. Also called: PXDN-related condition.
Anterior segment dysgenesis 7 (ASGD7). Also called: SCLEROCORNEA WITH OTHER OCULAR ANOMALIES; Anterior segment dysgenesis 7, with sclerocornea. Identifiers: Orphanet 289499, MedGen C3151617, MONDO:0010015, OMIM 269400.

Allele frequency attached by ClinVar (database versions not stated): gnomAD 0.00048 and 0.00056; ESP Exome Variant Server 0.00051; gnomAD exomes 0.00057 and 0.00097; TOPMed 0.00064; 1000 Genomes Project 30x 0.00094; 1000 Genomes Project 0.00100; ExAC 0.00200.
gnomAD v4.1: 902 of 1,515,880 alleles (0.06%); highest among the groups gnomAD compares: Middle Eastern, 0.39%; 5 homozygotes.

Submissions (5):

Labcorp Genetics (formerly Invitae), Labcorp
Classification: Benign for Anterior segment dysgenesis 7. Last evaluated: 2025-08-21. Review status: criteria provided, single submitter. Criteria: Invitae Variant Classification Sherloc (09022015). Collection method: clinical testing. Allele origin: germline.

Ambry Genetics
Classification: Likely benign for Inborn genetic diseases. Last evaluated: 2024-11-25. Review status: criteria provided, single submitter. Criteria: Ambry Variant Classification Scheme 2023. Collection method: clinical testing. Allele origin: germline.

Blueprint Genetics
Classification: Likely benign. Last evaluated: 2024-11-19. Review status: criteria provided, single submitter. Criteria: ACMG Guidelines, 2015. Collection method: clinical testing. Allele origin: germline.

PreventionGenetics, part of Exact Sciences
Classification: Likely benign for PXDN-related condition. Last evaluated: 2024-10-07. Review status: criteria provided, single submitter. Criteria: ACMG Guidelines, 2015. Collection method: clinical testing. Allele origin: germline.
Comment: This variant is classified as likely benign based on ACMG/AMP sequence variant interpretation guidelines (Richards et al. 2015 PMID: 25741868, with internal and published modifications).

Breakthrough Genomics
Classification: Benign. Review status: criteria provided, single submitter. Criteria: ACMG Guidelines, 2015. Collection method: not provided. Allele origin: germline. Inheritance: Autosomal recessive inheritance. Affected: yes.